The following is an entry in ClinVar:

ClinVar aggregate classification (germline): Uncertain significance (1 of 4 stars; one submission).

Allele frequency attached by ClinVar (database versions not stated): gnomAD exomes 0.00001; ExAC 0.00002.

Submission:

Labcorp Genetics (formerly Invitae), Labcorp
Classification: Uncertain significance. Last evaluated: 2022-04-15. Review status: criteria provided, single submitter. Criteria: Invitae Variant Classification Sherloc (09022015). Collection method: clinical testing. Allele origin: germline.
Comment: Algorithms developed to predict the effect of missense changes on protein structure and function are either unavailable or do not agree on the potential impact of this missense change (SIFT: "Not Available"; PolyPhen-2: "Benign"; Align-GVGD: "Not Available"). This sequence change replaces serine, which is neutral and polar, with glycine, which is neutral and non-polar, at codon 198 of the BGN protein (p.Ser198Gly). This variant is present in population databases (rs782001829, gnomAD 0.01%). This variant has not been reported in the literature in individuals affected with BGN-related conditions. In summary, the available evidence is currently insufficient to determine the role of this variant in disease. Therefore, it has been classified as a Variant of Uncertain Significance.

NM_001711.6(BGN):c.592A>G (p.Ser198Gly)

Gene: BGN (biglycan; plus strand). Cytogenetic location: Xq28.
Variant type: single nucleotide variant.
Coding change: c.592A>G on transcript NM_001711.6 (MANE Select); coding-DNA position 592, A replaced by G.
Protein change: p.Ser198Gly; replaces serine 198 with glycine.
Molecular consequence: missense variant.
Genome position (GRCh38, 1-based): chrX:153,506,555, A>G. VCF-style: chrX-153506555-A-G. GRCh37 (hg19) VCF-style: chrX-152772013-A-G.
Other names: short protein forms S198G.
Identifiers: ClinVar variation 1519210 (VCV001519210.6), dbSNP rs782001829, ClinGen allele CA10547282.